The following is an entry in ClinVar:

ClinVar aggregate classification (germline): Uncertain significance (1 of 4 stars; one submission).

Conditions:
Ataxia-telangiectasia syndrome (AT). Also called: LOUIS-BAR SYNDROME; Ataxia telangiectasia (A-T); Cerebello-oculocutaneous telangiectasia; Immunodeficiency with ataxia telangiectasia; ATAXIA-TELANGIECTASIA, COMPLEMENTATION GROUP A; ATAXIA-TELANGIECTASIA, FRESNO VARIANT. Identifiers: Orphanet 100, MedGen C0004135, MONDO:0008840, OMIM 208900.

Submission:

Labcorp Genetics (formerly Invitae), Labcorp
Classification: Uncertain significance for Ataxia-telangiectasia syndrome. Last evaluated: 2019-07-21. Review status: criteria provided, single submitter. Criteria: Invitae Variant Classification Sherloc (09022015). Collection method: clinical testing. Allele origin: germline.
Comment: This variant is not present in population databases (ExAC no frequency). Algorithms developed to predict the effect of sequence changes on RNA splicing suggest that this variant may create or strengthen a splice site, but this prediction has not been confirmed by published transcriptional studies. Algorithms developed to predict the effect of missense changes on protein structure and function are either unavailable or do not agree on the potential impact of this missense change (SIFT: "Tolerated"; PolyPhen-2: "Possibly Damaging"; Align-GVGD: "Class C0"). This variant has not been reported in the literature in individuals with ATM-related conditions. This sequence change replaces lysine with arginine at codon 1903 of the ATM protein (p.Lys1903Arg). The lysine residue is moderately conserved and there is a small physicochemical difference between lysine and arginine. In summary, the available evidence is currently insufficient to determine the role of this variant in disease. Therefore, it has been classified as a Variant of Uncertain Significance.

NM_000051.4(ATM):c.5708A>G (p.Lys1903Arg)

Gene: ATM (ATM serine/threonine kinase; plus strand). Cytogenetic location: 11q22.3.
Variant type: single nucleotide variant.
Coding change: c.5708A>G on transcript NM_000051.4 (MANE Select); coding-DNA position 5708, A replaced by G.
Protein change: p.Lys1903Arg; replaces lysine 1903 with arginine.
Molecular consequence: missense variant.
Genome position (GRCh38, 1-based): chr11:108,307,930, A>G. VCF-style: chr11-108307930-A-G. GRCh37 (hg19) VCF-style: chr11-108178657-A-G.
Other names: c.5708A>G, p.Lys1903Arg (NM_001351834.2); short protein forms K1903R.
Identifiers: ClinVar variation 954183 (VCV000954183.9), dbSNP rs2083818567, ClinGen allele CA382547876.